The following is an entry in ClinVar:

ClinVar aggregate classification (germline): Uncertain significance (1 of 4 stars; one submission).

Conditions:
Hereditary cancer-predisposing syndrome. Also called: Neoplastic Syndromes, Hereditary; Tumor predisposition; Hereditary Cancer Syndrome; Hereditary neoplastic syndrome. Identifiers: Orphanet 140162, MedGen C0027672, MeSH D009386, MONDO:0015356.

Submission:

Color Diagnostics, LLC DBA Color Health
Classification: Uncertain significance for Hereditary cancer-predisposing syndrome. Last evaluated: 2024-08-05. Review status: criteria provided, single submitter. Criteria: ACMG Guidelines, 2015. Collection method: clinical testing. Allele origin: germline.
Comment: This missense variant replaces tyrosine with asparagine at codon 1717 of the ATM protein. Computational prediction suggests that this variant may not impact protein structure and function (internally defined REVEL score threshold <= 0.5, PMID: 27666373). To our knowledge, functional studies have not been reported for this variant. This variant has not been reported in individuals affected with ATM-related disorders in the literature. This variant has not been identified in the general population by the Genome Aggregation Database (gnomAD). The available evidence is insufficient to determine the role of this variant in disease conclusively. Therefore, this variant is classified as a Variant of Uncertain Significance.

NM_000051.4(ATM):c.5149T>A (p.Tyr1717Asn)

Gene: ATM (ATM serine/threonine kinase; plus strand). Cytogenetic location: 11q22.3.
Variant type: single nucleotide variant.
Coding change: c.5149T>A on transcript NM_000051.4 (MANE Select); coding-DNA position 5149, T replaced by A.
Protein change: p.Tyr1717Asn; replaces tyrosine 1717 with asparagine.
Molecular consequence: missense variant.
Genome position (GRCh38, 1-based): chr11:108,299,857, T>A. VCF-style: chr11-108299857-T-A. GRCh37 (hg19) VCF-style: chr11-108170584-T-A.
Other names: c.5149T>A, p.Tyr1717Asn (NM_001351834.2); short protein forms Y1717N.
Identifiers: ClinVar variation 3894024 (VCV003894024.1).